The following is an entry in ClinVar:

ClinVar aggregate classification (germline): Uncertain significance. Review status: criteria provided, multiple submitters, no conflicts (2 of 4 stars). 3 submissions from 3 submitters: Uncertain significance (3). Last evaluated 2026-02-03.

Conditions:
Hereditary cancer-predisposing syndrome. Also called: Hereditary Cancer Syndrome; Neoplastic Syndromes, Hereditary; Tumor predisposition; Hereditary neoplastic syndrome. Identifiers: Orphanet 140162, MedGen C0027672, MeSH D009386, MONDO:0015356.
Neuroblastoma, susceptibility to, 3. Also called: ALK-Related Neuroblastic Tumor Susceptibility. Identifiers: Orphanet 635, MedGen C2751681, MONDO:0013083, OMIM 613014.

Allele frequency attached by ClinVar (database versions not stated): gnomAD 0.00001.
gnomAD v4.1: 14 of 1,614,090 alleles (0.00087%); highest among the groups gnomAD compares: Non-Finnish European, 0.0011%; no homozygotes.

Submissions (3):

Labcorp Genetics (formerly Invitae), Labcorp
Classification: Uncertain significance for Neuroblastoma, susceptibility to, 3. Last evaluated: 2026-02-03. Review status: criteria provided, single submitter. Criteria: Invitae Variant Classification Sherloc (09022015). Collection method: clinical testing. Allele origin: germline.
Comment: This sequence change replaces glutamine, which is neutral and polar, with lysine, which is basic and polar, at codon 577 of the ALK protein (p.Gln577Lys). This variant is not present in population databases (gnomAD no frequency). This variant has not been reported in the literature in individuals affected with ALK-related conditions. ClinVar contains an entry for this variant (Variation ID: 538256). An algorithm developed to predict the effect of missense changes on protein structure and function (PolyPhen-2) suggests that this variant is likely to be tolerated. In summary, the available evidence is currently insufficient to determine the role of this variant in disease. Therefore, it has been classified as a Variant of Uncertain Significance.

GeneDx
Classification: Uncertain significance. Last evaluated: 2024-12-03. Review status: criteria provided, single submitter. Criteria: GeneDx Variant Classification Process June 2021. Collection method: clinical testing. Allele origin: germline.
Comment: Not observed at significant frequency in large population cohorts (gnomAD); In silico analysis indicates that this missense variant does not alter protein structure/function; Has not been previously published as pathogenic or benign to our knowledge

Ambry Genetics
Classification: Uncertain significance for Hereditary cancer-predisposing syndrome. Last evaluated: 2024-06-20. Review status: criteria provided, single submitter. Criteria: Ambry Variant Classification Scheme 2023. Collection method: clinical testing. Allele origin: germline.
Comment: The p.Q577K variant (also known as c.1729C>A), located in coding exon 9 of the ALK gene, results from a C to A substitution at nucleotide position 1729. The glutamine at codon 577 is replaced by lysine, an amino acid with similar properties. This amino acid position is conserved. In addition, this alteration is predicted to be tolerated by in silico analysis. Since supporting evidence is limited at this time, the clinical significance of this alteration remains unclear.

NM_004304.5(ALK):c.1729C>A (p.Gln577Lys)

Gene: ALK (ALK receptor tyrosine kinase; minus strand). Cytogenetic location: 2p23.2.
Variant type: single nucleotide variant.
Coding change: c.1729C>A on transcript NM_004304.5 (MANE Select); coding-DNA position 1729, C replaced by A.
Protein change: p.Gln577Lys; replaces glutamine 577 with lysine.
Molecular consequence: missense variant.
Genome position (GRCh38, 1-based): chr2:29,296,976, G>T on the plus strand (C>A on the coding strand, the complement: ALK is on the minus strand). VCF-style: chr2-29296976-G-T. GRCh37 (hg19) VCF-style: chr2-29519842-G-T.
Other names: short protein forms Q577K.
Identifiers: ClinVar variation 538256 (VCV000538256.15), dbSNP rs1430381834, ClinGen allele CA346466272.